The following is an entry in ClinVar:

NM_001371986.1(UNC80):c.510A>C (p.Glu170Asp)

Gene: UNC80 (unc-80 homolog, NALCN channel complex subunit; plus strand). Cytogenetic location: 2q34.
Variant type: single nucleotide variant.
Coding change: c.510A>C on transcript NM_001371986.1 (MANE Select); coding-DNA position 510, A replaced by C.
Protein change: p.Glu170Asp; replaces glutamic acid 170 with aspartic acid.
Molecular consequence: missense variant.
Genome position (GRCh38, 1-based): chr2:209,777,469, A>C. VCF-style: chr2-209777469-A-C. GRCh37 (hg19) VCF-style: chr2-210642193-A-C.
Other names: c.510A>C, p.Glu170Asp (NM_032504.2, NM_182587.4); c.510A>C (NM_032504.1); short protein forms E170D.
Identifiers: ClinVar variation 1408361 (VCV001408361.4), dbSNP rs201038761, ClinGen allele CA2082755.

ClinVar aggregate classification (germline): Uncertain significance. Review status: criteria provided, multiple submitters, no conflicts (2 of 4 stars). 2 submissions from 2 submitters: Uncertain significance (2). Last evaluated 2024-10-20.

Conditions:
Inborn genetic diseases. Identifiers: MedGen C0950123, MeSH D030342.

Allele frequency attached by ClinVar (database versions not stated): ExAC 0.00003; gnomAD exomes 0.00002.
gnomAD v4.1: 18 of 1,614,102 alleles (0.0011%); highest among the groups gnomAD compares: African/African-American, 0.024%; no homozygotes.

Submissions (2):

Ambry Genetics
Classification: Uncertain significance for Inborn genetic diseases. Last evaluated: 2024-10-20. Review status: criteria provided, single submitter. Criteria: Ambry Variant Classification Scheme 2023. Collection method: clinical testing. Allele origin: germline.

Labcorp Genetics (formerly Invitae), Labcorp
Classification: Uncertain significance. Last evaluated: 2022-07-12. Review status: criteria provided, single submitter. Criteria: Invitae Variant Classification Sherloc (09022015). Collection method: clinical testing. Allele origin: germline.
Comment: This sequence change replaces glutamic acid, which is acidic and polar, with aspartic acid, which is acidic and polar, at codon 170 of the UNC80 protein (p.Glu170Asp). This variant is present in population databases (rs201038761, gnomAD 0.05%). This variant has not been reported in the literature in individuals affected with UNC80-related conditions. ClinVar contains an entry for this variant (Variation ID: 1408361). Algorithms developed to predict the effect of missense changes on protein structure and function output the following: SIFT: "Not Available"; PolyPhen-2: "Benign"; Align-GVGD: "Not Available". The aspartic acid amino acid residue is found in multiple mammalian species, which suggests that this missense change does not adversely affect protein function. In summary, the available evidence is currently insufficient to determine the role of this variant in disease. Therefore, it has been classified as a Variant of Uncertain Significance.